The following is an entry in ClinVar:

ClinVar aggregate classification (germline): Likely pathogenic (1 of 4 stars; one submission).

Conditions:
Generalized epilepsy with febrile seizures plus, type 9 (GEFSP9). Also called: GEFS+, TYPE 9. Identifiers: Orphanet 36387, MedGen C4015395, MONDO:0014517, OMIM 616172.

Submission:

Laboratorio de Genetica e Diagnostico Molecular, Hospital Israelita Albert Einstein
Classification: Likely pathogenic for Generalized epilepsy with febrile seizures plus, type 9. Last evaluated: 2022-03-26. Review status: criteria provided, single submitter. Criteria: ACMG Guidelines, 2015. Collection method: clinical testing. Allele origin: germline. Affected: yes. Observed: 1 variant allele.
Comment: ACMG classification criteria: PVS1 very strong, PM2 moderated

NM_052874.5(STX1B):c.315_321dup (p.Ser108fs)

Gene: STX1B (syntaxin 1B; minus strand). Cytogenetic location: 16p11.2.
Variant type: Duplication.
Coding change: c.315_321dup on transcript NM_052874.5 (MANE Select); coding-DNA positions 315 to 321, 7 bases duplicated (GAACCGT; older notation c.315_321dupGAACCGT).
Protein change: p.Ser108fs; shifts the reading frame from serine 108.
Molecular consequence: frameshift variant.
Genome position (GRCh38, 1-based): chr16:30,997,535-30,997,541, ACGGTTC duplicated on the plus strand (GAACCGT on the coding strand, the reverse complement: STX1B is on the minus strand); duplicating any 7 consecutive bases within chr16:30,997,535-30,997,542 gives the same sequence; the c. name uses the placement nearest the transcript's 3' end. VCF-style (leftmost placement, unchanged base first): chr16-30997534-A-AACGGTTC. GRCh37 (hg19) VCF-style: chr16-31008855-A-AACGGTTC.
Other names: short protein forms S108fs.
Identifiers: ClinVar variation 2431491 (VCV002431491.1), dbSNP rs2543961096, ClinGen allele CA2580091502.